The following is an entry in ClinVar:

ClinVar aggregate classification (germline): Pathogenic (1 of 4 stars; one submission).

Conditions:
Hereditary cancer-predisposing syndrome. Also called: Neoplastic Syndromes, Hereditary; Tumor predisposition; Hereditary Cancer Syndrome; Hereditary neoplastic syndrome. Identifiers: Orphanet 140162, MedGen C0027672, MeSH D009386, MONDO:0015356.

Submission:

Ambry Genetics
Classification: Pathogenic for Hereditary cancer-predisposing syndrome. Last evaluated: 2025-12-11. Review status: criteria provided, single submitter. Criteria: Ambry Variant Classification Scheme 2023. Collection method: clinical testing. Allele origin: germline.
Comment: The c.2046delC pathogenic mutation, located in coding exon 9 of the BRCA1 gene, results from a deletion of one nucleotide at nucleotide position 2046, causing a translational frameshift with a predicted alternate stop codon (p.N682Kfs*19). This variant is considered to be rare based on population cohorts in the Genome Aggregation Database (gnomAD). This alteration is expected to result in loss of function by premature protein truncation or nonsense-mediated mRNA decay. As such, this alteration is interpreted as a disease-causing mutation.

NM_007294.4(BRCA1):c.2046del (p.Asn682fs)

Gene: BRCA1 (BRCA1 DNA repair associated; minus strand). Cytogenetic location: 17q21.31.
Variant type: Deletion.
Coding change: c.2046del on transcript NM_007294.4 (MANE Select); coding-DNA position 2046, one base deleted (C; older notation c.2046delC).
Protein change: p.Asn682fs; shifts the reading frame from asparagine 682.
Molecular consequence: frameshift variant. On other transcripts: intron variant (137).
Genome position (GRCh38, 1-based): chr17:43,093,485, G deleted on the plus strand (C on the coding strand, the reverse complement: BRCA1 is on the minus strand). VCF-style (leftmost placement, unchanged base first): chr17-43093484-TG-T. GRCh37 (hg19) VCF-style: chr17-41245501-TG-T.
Other names: c.709+1259del (NM_001408415.1, NM_001408409.1, NM_001408414.1 and 2 more transcripts); c.577+1259del (NM_001408483.1, NM_001408492.1, NM_001408513.1 and 9 more transcripts); c.1833del, p.Asn611fs (NM_001407571.1, NM_001407853.1, NM_001407894.1 and 9 more transcripts); c.2043del, p.Asn681fs (NM_001407587.1, NM_001407590.1, NM_001407591.1 and 22 more transcripts); c.2046del, p.Asn682fs (NM_001407582.1, NM_001407583.1, NM_001407581.1 and 30 more transcripts); c.664+1259del (NM_001408426.1, NM_001408442.1, NM_001408444.1 and 12 more transcripts); c.787+1259del (NM_001407982.1, NM_001407970.1, NM_001408404.1 and 19 more transcripts); c.784+1259del (NM_001408401.1, NM_001408396.1, NM_001407985.1 and 13 more transcripts); and 40 more; short protein forms N635fs, N682fs, N514fs, N554fs, N615fs, N655fs, N681fs, N570fs.
Identifiers: ClinVar variation 1784972 (VCV001784972.3), dbSNP rs2552194667, ClinGen allele CA2580094097.